The following is an entry in ClinVar:

NM_004329.3(BMPR1A):c.128A>C (p.Lys43Thr)

Gene: BMPR1A (bone morphogenetic protein receptor type 1A; plus strand). Cytogenetic location: 10q23.2.
Variant type: single nucleotide variant.
Coding change: c.128A>C on transcript NM_004329.3 (MANE Select); coding-DNA position 128, A replaced by C.
Protein change: p.Lys43Thr; replaces lysine 43 with threonine.
Molecular consequence: missense variant. On other transcripts: non-coding transcript variant (3).
Genome position (GRCh38, 1-based): chr10:86,890,122, A>C. VCF-style: chr10-86890122-A-C. GRCh37 (hg19) VCF-style: chr10-88649879-A-C.
Other names: c.128A>C, p.Lys43Thr (NM_001406559.1, NM_001406560.1, NM_001406561.1 and 23 more transcripts); c.44A>C, p.Lys15Thr (NM_001406584.1, NM_001406585.1, NM_001406586.1 and 2 more transcripts); short protein forms K15T, K43T.
Identifiers: ClinVar variation 2749644 (VCV002749644.3), dbSNP rs2133395088, ClinGen allele CA377446560.
Genomic context (GRCh38, chr10:86,890,122, plus strand): 5'-GACAGAATCTGGATAGTATGCTTCATGGCACTGGGATGAAATCAGACTCCGACCAGAAAA[A>C]GTCAGAAAATGGAGTAACCTTAGCACCAGAGGATACCTTGCCTTTTTTAAAGTGCTATTG-3'
Protein context (NP_004320.2, residues 33-53): TGMKSDSDQK[Lys43Thr]SENGVTLAPE

ClinVar aggregate classification (germline): Uncertain significance (1 of 4 stars; one submission).

Conditions:
Juvenile polyposis syndrome (JPS). Identifiers: Orphanet 2929, MedGen C0345893, MONDO:0017380, OMIM 174900.

Submission:

Labcorp Genetics (formerly Invitae), Labcorp
Classification: Uncertain significance for Juvenile polyposis syndrome. Last evaluated: 2025-05-05. Review status: criteria provided, single submitter. Criteria: Invitae Variant Classification Sherloc (09022015). Collection method: clinical testing. Allele origin: germline.
Comment: This sequence change replaces lysine, which is basic and polar, with threonine, which is neutral and polar, at codon 43 of the BMPR1A protein (p.Lys43Thr). This variant is not present in population databases (gnomAD no frequency). This variant has not been reported in the literature in individuals affected with BMPR1A-related conditions. ClinVar contains an entry for this variant (Variation ID: 2749644). Invitae Evidence Modeling of protein sequence and biophysical properties (such as structural, functional, and spatial information, amino acid conservation, physicochemical variation, residue mobility, and thermodynamic stability) indicates that this missense variant is not expected to disrupt BMPR1A protein function with a negative predictive value of 95%. In summary, the available evidence is currently insufficient to determine the role of this variant in disease. Therefore, it has been classified as a Variant of Uncertain Significance.